The following is an entry in ClinVar:

ClinVar aggregate classification (germline): Uncertain significance. Review status: criteria provided, multiple submitters, no conflicts (2 of 4 stars). 2 submissions from 2 submitters: Uncertain significance (2). Last evaluated 2025-11-24.

gnomAD v4.1: 33 of 1,613,164 alleles (0.002%); highest among the groups gnomAD compares: South Asian, 0.035%; no homozygotes.

Submissions (2):

Ambry Genetics
Classification: Uncertain significance. Last evaluated: 2025-11-24. Review status: criteria provided, single submitter. Criteria: Ambry Variant Classification Scheme 2023. Collection method: clinical testing. Allele origin: germline.

Labcorp Genetics (formerly Invitae), Labcorp
Classification: Uncertain significance. Last evaluated: 2025-09-13. Review status: criteria provided, single submitter. Criteria: Invitae Variant Classification Sherloc (09022015). Collection method: clinical testing. Allele origin: germline.
Comment: This sequence change replaces asparagine, which is neutral and polar, with lysine, which is basic and polar, at codon 1104 of the ITGAM protein (p.Asn1104Lys). This variant is present in population databases (rs377004368, gnomAD 0.07%), and has an allele count higher than expected for a pathogenic variant. This variant has not been reported in the literature in individuals affected with ITGAM-related conditions. An algorithm developed to predict the effect of missense changes on protein structure and function (PolyPhen-2) suggests that this variant is likely to be tolerated. In summary, the available evidence is currently insufficient to determine the role of this variant in disease. Therefore, it has been classified as a Variant of Uncertain Significance.

NM_000632.4(ITGAM):c.3312C>A (p.Asn1104Lys)

Gene: ITGAM (integrin subunit alpha M; plus strand). Cytogenetic location: 16p11.2.
Variant type: single nucleotide variant.
Coding change: c.3312C>A on transcript NM_000632.4 (MANE Select); coding-DNA position 3312, C replaced by A.
Protein change: p.Asn1104Lys; replaces asparagine 1104 with lysine.
Molecular consequence: missense variant.
Genome position (GRCh38, 1-based): chr16:31,331,200, C>A. VCF-style: chr16-31331200-C-A. GRCh37 (hg19) VCF-style: chr16-31342521-C-A.
Other names: c.3315C>A, p.Asn1105Lys (NM_001145808.2); short protein forms N1104K, N1105K.
Identifiers: ClinVar variation 4679923 (VCV004679923.2).